The following is an entry in ClinVar:

ClinVar aggregate classification (germline): Benign/Likely benign. Review status: criteria provided, multiple submitters, no conflicts (2 of 4 stars). 4 submissions from 4 submitters: Benign (1); Likely benign (3). Last evaluated 2026-01-24.

Submissions (4):

Labcorp Genetics (formerly Invitae), Labcorp
Classification: Benign. Last evaluated: 2026-01-24. Review status: criteria provided, single submitter. Criteria: Invitae Variant Classification Sherloc (09022015). Collection method: clinical testing. Allele origin: germline.

Blueprint Genetics
Classification: Likely benign. Last evaluated: 2024-11-05. Review status: criteria provided, single submitter. Criteria: ACMG Guidelines, 2015. Collection method: clinical testing. Allele origin: germline.

GeneDx
Classification: Likely benign. Last evaluated: 2021-06-04. Review status: criteria provided, single submitter. Criteria: GeneDx Variant Classification Process June 2021. Collection method: clinical testing. Allele origin: germline. Affected: yes.

Laboratory for Molecular Medicine, Mass General Brigham Personalized Medicine
Classification: Likely benign. Last evaluated: 2012-03-22. Review status: criteria provided, single submitter. Criteria: LMM Criteria. Collection method: clinical testing. Allele origin: germline. Observed: 2 variant alleles.
Comment: 1545-14_1545-12delATT in intron 13 of SLC26A4: This variant is not expected to h ave clinical significance because it does not cause the splice site to diverge f rom consensus.

NM_000441.2(SLC26A4):c.1545-14_1545-12del

Gene: SLC26A4 (solute carrier family 26 member 4; plus strand). Cytogenetic location: 7q22.3.
Variant type: Deletion.
Coding change: c.1545-14_1545-12del on transcript NM_000441.2 (MANE Select); 14 bases into the intron before coding-DNA position 1545 through 12 bases into the intron before coding-DNA position 1545, 3 bases deleted (ATT; older notation c.1545-14_1545-12delATT).
Molecular consequence: intron variant.
Genome position (GRCh38, 1-based): chr7:107,698,028-107,698,030, ATT deleted; deleting any 3 consecutive bases within chr7:107,698,027-107,698,030 gives the same sequence; the c. name uses the placement nearest the transcript's 3' end. VCF-style (leftmost placement, unchanged base first): chr7-107698026-ATAT-A. GRCh37 (hg19) VCF-style: chr7-107338471-ATAT-A.
Identifiers: ClinVar variation 43512 (VCV000043512.16), dbSNP rs397516419, ClinGen allele CA132667.